The following is an entry in ClinVar:

ClinVar aggregate classification (germline): Uncertain significance (1 of 4 stars; one submission).

Conditions:
Nemaline myopathy 6 (NEM6). Also called: Nemaline myopathy 6, autosomal dominant. Identifiers: Orphanet 171439, MedGen C1836472, MONDO:0012237, OMIM 609273.

Submission:

Labcorp Genetics (formerly Invitae), Labcorp
Classification: Uncertain significance for Nemaline myopathy 6. Last evaluated: 2024-11-26. Review status: criteria provided, single submitter. Criteria: Invitae Variant Classification Sherloc (09022015). Collection method: clinical testing. Allele origin: germline.
Comment: This sequence change replaces glycine, which is neutral and non-polar, with serine, which is neutral and polar, at codon 34 of the KBTBD13 protein (p.Gly34Ser). This variant is not present in population databases (gnomAD no frequency). This variant has not been reported in the literature in individuals affected with KBTBD13-related conditions. Invitae Evidence Modeling of protein sequence and biophysical properties (such as structural, functional, and spatial information, amino acid conservation, physicochemical variation, residue mobility, and thermodynamic stability) indicates that this missense variant is not expected to disrupt KBTBD13 protein function with a negative predictive value of 80%. In summary, the available evidence is currently insufficient to determine the role of this variant in disease. Therefore, it has been classified as a Variant of Uncertain Significance.

NM_001101362.3(KBTBD13):c.100G>A (p.Gly34Ser)

Gene: KBTBD13 (kelch repeat and BTB domain containing 13; plus strand). Cytogenetic location: 15q22.31.
Variant type: single nucleotide variant.
Coding change: c.100G>A on transcript NM_001101362.3 (MANE Select); coding-DNA position 100, G replaced by A.
Protein change: p.Gly34Ser; replaces glycine 34 with serine.
Molecular consequence: missense variant.
Genome position (GRCh38, 1-based): chr15:65,076,915, G>A. VCF-style: chr15-65076915-G-A. GRCh37 (hg19) VCF-style: chr15-65369253-G-A.
Other names: short protein forms G34S.
Identifiers: ClinVar variation 3667936 (VCV003667936.2).
Genomic context (GRCh38, chr15:65,076,915, plus strand): 5'-GGCGGCCAGCTCTTCCAAGCCGACCGCGCCCTGCTGGTGGAGCACTGTGGCTTCTTCCGA[G>A]GCCTCTTCCGCTCCGGCATGCGGGAGACCCGCGCAGCAGAGGTGCGCCTGGGCGTTCTGA-3'
Protein context (NP_001094832.1, residues 24-44): LLVEHCGFFR[Gly34Ser]LFRSGMRETR